The following is an entry in ClinVar:

ClinVar aggregate classification (germline): Uncertain significance. Review status: criteria provided, multiple submitters, no conflicts (2 of 4 stars). 2 submissions from 2 submitters: Uncertain significance (2). Last evaluated 2025-03-11.

Conditions:
Hereditary cancer-predisposing syndrome. Also called: Neoplastic Syndromes, Hereditary; Tumor predisposition; Hereditary neoplastic syndrome; Hereditary Cancer Syndrome. Identifiers: Orphanet 140162, MedGen C0027672, MeSH D009386, MONDO:0015356.
EGFR-related lung cancer (EGFR). Identifiers: MedGen CN130014.

Allele frequency attached by ClinVar (database versions not stated): TOPMed below 0.00001; gnomAD 0.00001; gnomAD exomes 0.00001 and 0.00002; ExAC 0.00002.
gnomAD v4.1: 24 of 1,614,134 alleles (0.0015%); highest among the groups gnomAD compares: East Asian, 0.0045%; no homozygotes.

Submissions (3):

Ambry Genetics
Classification: Uncertain significance for Hereditary cancer-predisposing syndrome. Last evaluated: 2025-03-11. Review status: criteria provided, single submitter. Criteria: Ambry Variant Classification Scheme 2023. Collection method: clinical testing. Allele origin: germline.
Comment: The p.R574W variant (also known as c.1720C>T), located in coding exon 14 of the EGFR gene, results from a C to T substitution at nucleotide position 1720. The arginine at codon 574 is replaced by tryptophan, an amino acid with dissimilar properties. This amino acid position is not well conserved in available vertebrate species. In addition, this alteration is predicted to be tolerated by in silico analysis. Based on the available evidence, the clinical significance of this variant remains unclear.

Labcorp Genetics (formerly Invitae), Labcorp
Classification: Uncertain significance for EGFR-related lung cancer. Last evaluated: 2024-01-26. Review status: criteria provided, single submitter. Criteria: Invitae Variant Classification Sherloc (09022015). Collection method: clinical testing. Allele origin: germline.
Comment: This sequence change replaces arginine, which is basic and polar, with tryptophan, which is neutral and slightly polar, at codon 574 of the EGFR protein (p.Arg574Trp). This variant is present in population databases (rs760471492, gnomAD 0.006%). This variant has not been reported in the literature in individuals affected with EGFR-related conditions. ClinVar contains an entry for this variant (Variation ID: 1374100). An algorithm developed to predict the effect of missense changes on protein structure and function (PolyPhen-2) suggests that this variant is likely to be disruptive. In summary, the available evidence is currently insufficient to determine the role of this variant in disease. Therefore, it has been classified as a Variant of Uncertain Significance.

Dr. Peter K. Rogan Lab, Western University
No classification provided (evidence only). Condition: Malignant tumor of esophagus. Review status: no classification provided. Collection method: in vitro. Allele origin: not applicable. Functional consequence: retained intron. Not counted in ClinVar's aggregate classification.

NM_005228.5(EGFR):c.1720C>T (p.Arg574Trp)

Gene: EGFR (epidermal growth factor receptor; plus strand). Cytogenetic location: 7p11.2.
Variant type: single nucleotide variant.
Coding change: c.1720C>T on transcript NM_005228.5 (MANE Select); coding-DNA position 1720, C replaced by T.
Protein change: p.Arg574Trp; replaces arginine 574 with tryptophan.
Molecular consequence: missense variant.
Genome position (GRCh38, 1-based): chr7:55,163,821, C>T. VCF-style: chr7-55163821-C-T. GRCh37 (hg19) VCF-style: chr7-55231514-C-T.
Other names: c.1720C>T (NM_005228.3); c.1585C>T, p.Arg529Trp (NM_001346897.2, NM_001346899.2); c.1720C>T, p.Arg574Trp (NM_001346898.2, NM_201282.2, NM_201284.2); c.1561C>T, p.Arg521Trp (NM_001346900.2); c.919C>T, p.Arg307Trp (NM_001346941.2); short protein forms R307W, R521W, R529W, R574W.
Identifiers: ClinVar variation 1374100 (VCV001374100.8), dbSNP rs760471492, ClinGen allele CA4265664.